The following is an entry in ClinVar:

NM_014727.3(KMT2B):c.766G>A (p.Val256Met)

Gene: KMT2B (lysine methyltransferase 2B; plus strand). Cytogenetic location: 19q13.12.
Variant type: single nucleotide variant.
Coding change: c.766G>A on transcript NM_014727.3 (MANE Select); coding-DNA position 766, G replaced by A.
Protein change: p.Val256Met; replaces valine 256 with methionine.
Molecular consequence: missense variant.
Genome position (GRCh38, 1-based): chr19:35,720,113, G>A. VCF-style: chr19-35720113-G-A. GRCh37 (hg19) VCF-style: chr19-36211015-G-A.
Other names: short protein forms V256M.
Identifiers: ClinVar variation 4808404 (VCV004808404.1).

ClinVar aggregate classification (germline): Uncertain significance (1 of 4 stars; one submission).

gnomAD v4.1: 1 of 1,599,072 alleles (0.000063%); highest among the groups gnomAD compares: Non-Finnish European, 0.000085%; no homozygotes.

Submission:

Labcorp Genetics (formerly Invitae), Labcorp
Classification: Uncertain significance. Last evaluated: 2025-09-27. Review status: criteria provided, single submitter. Criteria: Invitae Variant Classification Sherloc (09022015). Collection method: clinical testing. Allele origin: germline.
Comment: This sequence change replaces valine, which is neutral and non-polar, with methionine, which is neutral and non-polar, at codon 256 of the KMT2B protein (p.Val256Met). This variant is not present in population databases (gnomAD no frequency). This variant has not been reported in the literature in individuals affected with KMT2B-related conditions. Invitae Evidence Modeling of protein sequence and biophysical properties (such as structural, functional, and spatial information, amino acid conservation, physicochemical variation, residue mobility, and thermodynamic stability) indicates that this missense variant is not expected to disrupt KMT2B protein function with a negative predictive value of 95%. In summary, the available evidence is currently insufficient to determine the role of this variant in disease. Therefore, it has been classified as a Variant of Uncertain Significance.